The following is an entry in ClinVar:

NM_000341.4(SLC3A1):c.982G>T (p.Glu328Ter)

Gene: SLC3A1 (solute carrier family 3 member 1; plus strand). Cytogenetic location: 2p21.
Variant type: single nucleotide variant.
Coding change: c.982G>T on transcript NM_000341.4 (MANE Select); coding-DNA position 982, G replaced by T.
Protein change: p.Glu328Ter; replaces glutamic acid 328 with a stop codon.
Molecular consequence: nonsense.
Genome position (GRCh38, 1-based): chr2:44,300,061, G>T. VCF-style: chr2-44300061-G-T. GRCh37 (hg19) VCF-style: chr2-44527200-G-T.
Other names: short protein forms E328*.
Identifiers: ClinVar variation 3720323 (VCV003720323.2).
Genomic context (GRCh38, chr2:44,300,061, plus strand): 5'-GTTGATGGTTTTAGTTTGGATGCTGTTAAATTCCTCCTAGAAGCAAAGCACCTGAGAGAT[G>T]AGATCCAAGTAAATAAGACCCAAATCCCGGTAAAGTTTTATTTTAAACGTTTTTCTTTTG-3'

ClinVar aggregate classification (germline): Pathogenic (1 of 4 stars; one submission).

Conditions:
Cystinuria (CSNU). Also called: CYSTINURIA, TYPE I; CYSTINURIA, TYPE II; CYSTINURIA, TYPE III; Cystinuria, non-type I. Identifiers: Orphanet 214, MedGen C0010691, MONDO:0009067, OMIM 220100, HP:0003131.

gnomAD v4.1: 2 of 1,613,896 alleles (0.00012%); highest among the groups gnomAD compares: African/African-American, 0.0013%; no homozygotes.

Submission:

Labcorp Genetics (formerly Invitae), Labcorp
Classification: Pathogenic for Cystinuria. Last evaluated: 2024-10-02. Review status: criteria provided, single submitter. Criteria: Invitae Variant Classification Sherloc (09022015). Collection method: clinical testing. Allele origin: germline.
Comment: This sequence change creates a premature translational stop signal (p.Glu328*) in the SLC3A1 gene. It is expected to result in an absent or disrupted protein product. Loss-of-function variants in SLC3A1 are known to be pathogenic (PMID: 24610330, 25109415, 25964309). This variant is not present in population databases (gnomAD no frequency). This premature translational stop signal has been observed in individual(s) with cystinuria (PMID: 28646536). Algorithms developed to predict the effect of sequence changes on RNA splicing suggest that this variant may disrupt the consensus splice site. For these reasons, this variant has been classified as Pathogenic.

Literature cited by the submitters: PubMed 24610330; PubMed 25109415; PubMed 25964309; PubMed 28646536.